The following is an entry in ClinVar:

NM_001429.4(EP300):c.1638A>G (p.Glu546=)

Gene: EP300 (E1A binding protein p300; plus strand). Cytogenetic location: 22q13.2.
Variant type: single nucleotide variant.
Coding change: c.1638A>G on transcript NM_001429.4 (MANE Select); coding-DNA position 1638, A replaced by G.
Protein change: p.Glu546=; no amino-acid change (glutamic acid 546 retained).
Molecular consequence: synonymous variant.
Genome position (GRCh38, 1-based): chr22:41,137,668, A>G. VCF-style: chr22-41137668-A-G. GRCh37 (hg19) VCF-style: chr22-41533672-A-G.
Other names: c.1638A>G, p.Glu546= (NM_001362843.2).
Identifiers: ClinVar variation 3031195 (VCV003031195.2), dbSNP rs2518141272, ClinGen allele CA514636692.

ClinVar aggregate classification (germline): Likely benign (0 of 4 stars; one submission).

Conditions:
EP300-related disorder. Also called: EP300-related disorders; EP300-related condition.

Allele frequency attached by ClinVar (database versions not stated): gnomAD exomes below 0.00001.
gnomAD v4.1: 2 of 1,614,206 alleles (0.00012%); highest among the groups gnomAD compares: Non-Finnish European, 0.00017%; no homozygotes.

Submission:

PreventionGenetics, part of Exact Sciences
Classification: Likely benign for EP300-related condition. Last evaluated: 2024-03-05. Review status: no assertion criteria provided. Collection method: clinical testing. Allele origin: germline.
Comment: This variant is classified as likely benign based on ACMG/AMP sequence variant interpretation guidelines (Richards et al. 2015 PMID: 25741868, with internal and published modifications).